The following is an entry in ClinVar:

ClinVar aggregate classification (germline): Uncertain significance. Review status: criteria provided, multiple submitters, no conflicts (2 of 4 stars). 2 submissions from 2 submitters: Uncertain significance (2). Last evaluated 2024-12-12.

Conditions:
Fanconi anemia (FA). Also called: Fanconi's anemia. Identifiers: Orphanet 84, MedGen C0015625, MeSH D005199, MONDO:0019391.
Inborn genetic diseases. Identifiers: MedGen C0950123, MeSH D030342.

gnomAD v4.1: 13 of 1,611,746 alleles (0.00081%); highest among the groups gnomAD compares: Non-Finnish European, 0.0011%; no homozygotes.

Submissions (2):

Ambry Genetics
Classification: Uncertain significance for Inborn genetic diseases. Last evaluated: 2024-12-12. Review status: criteria provided, single submitter. Criteria: Ambry Variant Classification Scheme 2023. Collection method: clinical testing. Allele origin: germline.
Comment: The p.S1208I variant (also known as c.3623G>T), located in coding exon 36 of the FANCA gene, results from a G to T substitution at nucleotide position 3623. The serine at codon 1208 is replaced by isoleucine, an amino acid with dissimilar properties. This amino acid position is conserved. In addition, this alteration is predicted to be tolerated by in silico analysis. Based on the available evidence, the clinical significance of this variant remains unclear.

Labcorp Genetics (formerly Invitae), Labcorp
Classification: Uncertain significance for Fanconi anemia. Last evaluated: 2018-05-04. Review status: criteria provided, single submitter. Criteria: Invitae Variant Classification Sherloc (09022015). Collection method: clinical testing. Allele origin: germline.
Comment: In summary, the available evidence is currently insufficient to determine the role of this variant in disease. Therefore, it has been classified as a Variant of Uncertain Significance. Algorithms developed to predict the effect of missense changes on protein structure and function (SIFT, PolyPhen-2, Align-GVGD) all suggest that this variant is likely to be tolerated, but these predictions have not been confirmed by published functional studies and their clinical significance is uncertain. This variant has not been reported in the literature in individuals with FANCA-related disease. ClinVar contains an entry for this variant (Variation ID: 456117). This variant is not present in population databases (ExAC no frequency). This sequence change replaces serine with isoleucine at codon 1208 of the FANCA protein (p.Ser1208Ile). The serine residue is moderately conserved and there is a large physicochemical difference between serine and isoleucine.

NM_000135.4(FANCA):c.3623G>T (p.Ser1208Ile)

Gene: FANCA (FA complementation group A; minus strand). Cytogenetic location: 16q24.3.
Variant type: single nucleotide variant.
Coding change: c.3623G>T on transcript NM_000135.4 (MANE Select); coding-DNA position 3623, G replaced by T.
Protein change: p.Ser1208Ile; replaces serine 1208 with isoleucine.
Molecular consequence: missense variant.
Genome position (GRCh38, 1-based): chr16:89,744,962, C>A on the plus strand (G>T on the coding strand, the complement: FANCA is on the minus strand). VCF-style: chr16-89744962-C-A. GRCh37 (hg19) VCF-style: chr16-89811370-C-A.
Other names: c.3623G>T, p.Ser1208Ile (NM_001286167.3); c.3623G>T (LRG_495t1); short protein forms S1208I.
Identifiers: ClinVar variation 456117 (VCV000456117.9), dbSNP rs1351484293, ClinGen allele CA397485576.